The following is an entry in ClinVar:

ClinVar aggregate classification (germline): Pathogenic (1 of 4 stars; one submission).

gnomAD v4.1: 16 of 1,612,030 alleles (0.00099%); highest among the groups gnomAD compares: Non-Finnish European, 0.0012%; no homozygotes.

Submission:

Labcorp Genetics (formerly Invitae), Labcorp
Classification: Pathogenic. Last evaluated: 2024-09-22. Review status: criteria provided, single submitter. Criteria: Invitae Variant Classification Sherloc (09022015). Collection method: clinical testing. Allele origin: germline.
Comment: This sequence change affects a donor splice site in intron 20 of the TUBGCP6 gene. It is expected to disrupt RNA splicing. Variants that disrupt the donor or acceptor splice site typically lead to a loss of protein function (PMID: 16199547), and loss-of-function variants in TUBGCP6 are known to be pathogenic (PMID: 25344692). This variant is not present in population databases (gnomAD no frequency). Disruption of this splice site has been observed in individual(s) with TUBGCP6-related conditions (PMID: 37031378). In at least one individual the data is consistent with being in trans (on the opposite chromosome) from a pathogenic variant. Algorithms developed to predict the effect of sequence changes on RNA splicing suggest that this variant may disrupt the consensus splice site. For these reasons, this variant has been classified as Pathogenic.

Literature cited by the submitters: PubMed 16199547; PubMed 25344692; PubMed 37031378.

NM_020461.4(TUBGCP6):c.4626+1G>A

Gene: TUBGCP6 (tubulin gamma complex component 6; minus strand). Cytogenetic location: 22q13.33.
Variant type: single nucleotide variant.
Coding change: c.4626+1G>A on transcript NM_020461.4 (MANE Select); the canonical splice donor site of the intron after coding-DNA position 4626, G replaced by A.
Molecular consequence: splice donor variant.
Genome position (GRCh38, 1-based): chr22:50,219,067, C>T on the plus strand (G>A on the coding strand, the complement: TUBGCP6 is on the minus strand). VCF-style: chr22-50219067-C-T. GRCh37 (hg19) VCF-style: chr22-50657496-C-T.
Identifiers: ClinVar variation 3638906 (VCV003638906.2).